The following is an entry in ClinVar:

ClinVar aggregate classification (germline): Uncertain significance (1 of 4 stars; one submission).

Allele frequency attached by ClinVar (database versions not stated): TOPMed below 0.00001; ExAC 0.00001; gnomAD 0.00001; gnomAD exomes 0.00001 and 0.00002.

Submission:

Labcorp Genetics (formerly Invitae), Labcorp
Classification: Uncertain significance. Last evaluated: 2024-10-16. Review status: criteria provided, single submitter. Criteria: Invitae Variant Classification Sherloc (09022015). Collection method: clinical testing. Allele origin: germline.
Comment: This sequence change replaces glycine, which is neutral and non-polar, with alanine, which is neutral and non-polar, at codon 103 of the ATOH7 protein (p.Gly103Ala). This variant is present in population databases (rs773316578, gnomAD 0.003%). This variant has not been reported in the literature in individuals affected with ATOH7-related conditions. ClinVar contains an entry for this variant (Variation ID: 959469). An algorithm developed to predict the effect of missense changes on protein structure and function (PolyPhen-2) suggests that this variant is likely to be tolerated. In summary, the available evidence is currently insufficient to determine the role of this variant in disease. Therefore, it has been classified as a Variant of Uncertain Significance.

NM_145178.4(ATOH7):c.308G>C (p.Gly103Ala)

Gene: ATOH7 (atonal bHLH transcription factor 7; minus strand). Cytogenetic location: 10q21.3.
Variant type: single nucleotide variant.
Coding change: c.308G>C on transcript NM_145178.4 (MANE Select); coding-DNA position 308, G replaced by C.
Protein change: p.Gly103Ala; replaces glycine 103 with alanine.
Molecular consequence: missense variant.
Genome position (GRCh38, 1-based): chr10:68,231,370, C>G on the plus strand (G>C on the coding strand, the complement: ATOH7 is on the minus strand). VCF-style: chr10-68231370-C-G. GRCh37 (hg19) VCF-style: chr10-69991127-C-G.
Other names: short protein forms G103A.
Identifiers: ClinVar variation 959469 (VCV000959469.10), dbSNP rs773316578, ClinGen allele CA5523344.